The following is an entry in ClinVar:

ClinVar aggregate classification (germline): Uncertain significance (1 of 4 stars; one submission).

Conditions:
Cardiovascular phenotype. Identifiers: MedGen CN230736.

Allele frequency attached by ClinVar (database versions not stated): gnomAD exomes below 0.00001.
gnomAD v4.1: 1 of 1,611,018 alleles (0.000062%); highest among the groups gnomAD compares: East Asian, 0.0022%; no homozygotes.

Submission:

Ambry Genetics
Classification: Uncertain significance for Cardiovascular phenotype. Last evaluated: 2023-11-05. Review status: criteria provided, single submitter. Criteria: Ambry Variant Classification Scheme 2023. Collection method: clinical testing. Allele origin: germline.
Comment: The p.G5R variant (also known as c.13G>A), located in coding exon 1 of the SCN4B gene, results from a G to A substitution at nucleotide position 13. The glycine at codon 5 is replaced by arginine, an amino acid with dissimilar properties. This amino acid position is conserved. In addition, the in silico prediction for this alteration is inconclusive. Since supporting evidence is limited at this time, the clinical significance of this alteration remains unclear.

NM_174934.4(SCN4B):c.13G>A (p.Gly5Arg)

Gene: SCN4B (sodium voltage-gated channel beta subunit 4; minus strand). Cytogenetic location: 11q23.3.
Variant type: single nucleotide variant.
Coding change: c.13G>A on transcript NM_174934.4 (MANE Select); coding-DNA position 13, G replaced by A.
Protein change: p.Gly5Arg; replaces glycine 5 with arginine.
Molecular consequence: missense variant.
Genome position (GRCh38, 1-based): chr11:118,152,661, C>T on the plus strand (G>A on the coding strand, the complement: SCN4B is on the minus strand). VCF-style: chr11-118152661-C-T. GRCh37 (hg19) VCF-style: chr11-118023376-C-T.
Other names: c.13G>A, p.Gly5Arg (NM_001142348.2); short protein forms G5R.
Identifiers: ClinVar variation 3229287 (VCV003229287.1), dbSNP rs2497579578, ClinGen allele CA382780547.